The following is an entry in ClinVar:

NM_001018115.3(FANCD2):c.1835C>T (p.Ser612Phe)

Genes: FANCD2 (FA complementation group D2; plus strand), LOC107303338 (3p25 FANCD2 Alu-mediated recombination region; plus strand). Cytogenetic location: 3p25.3.
Variant type: single nucleotide variant.
Coding change: c.1835C>T on transcript NM_001018115.3 (MANE Select); coding-DNA position 1835, C replaced by T.
Protein change: p.Ser612Phe; replaces serine 612 with phenylalanine.
Molecular consequence: missense variant.
Genome position (GRCh38, 1-based): chr3:10,063,799, C>T. VCF-style: chr3-10063799-C-T. GRCh37 (hg19) VCF-style: chr3-10105483-C-T.
Other names: c.1835C>T, p.Ser612Phe (NM_001319984.2, NM_001374254.1, NM_033084.6); c.1724C>T, p.Ser575Phe (NM_001374253.1); short protein forms S612F, S575F.
Identifiers: ClinVar variation 526430 (VCV000526430.7), dbSNP rs760516842, ClinGen allele CA2249849.

ClinVar aggregate classification (germline): Uncertain significance (1 of 4 stars; one submission).

Conditions:
Fanconi anemia (FA). Also called: Fanconi's anemia. Identifiers: Orphanet 84, MedGen C0015625, MeSH D005199, MONDO:0019391.

Allele frequency attached by ClinVar (database versions not stated): gnomAD 0.00001; ExAC 0.00006.

Submission:

Labcorp Genetics (formerly Invitae), Labcorp
Classification: Uncertain significance for Fanconi anemia. Last evaluated: 2024-04-16. Review status: criteria provided, single submitter. Criteria: Invitae Variant Classification Sherloc (09022015). Collection method: clinical testing. Allele origin: germline.
Comment: This sequence change replaces serine, which is neutral and polar, with phenylalanine, which is neutral and non-polar, at codon 612 of the FANCD2 protein (p.Ser612Phe). The frequency data for this variant in the population databases is considered unreliable, as metrics indicate poor data quality at this position in the gnomAD database. This variant has not been reported in the literature in individuals affected with FANCD2-related conditions. ClinVar contains an entry for this variant (Variation ID: 526430). Advanced modeling of protein sequence and biophysical properties (such as structural, functional, and spatial information, amino acid conservation, physicochemical variation, residue mobility, and thermodynamic stability) performed at Invitae indicates that this missense variant is expected to disrupt FANCD2 protein function with a positive predictive value of 80%. In summary, the available evidence is currently insufficient to determine the role of this variant in disease. Therefore, it has been classified as a Variant of Uncertain Significance.